The following is an entry in ClinVar:

ClinVar aggregate classification (germline): Uncertain significance (1 of 4 stars; one submission).

gnomAD v4.1: 2 of 1,613,480 alleles (0.00012%); highest among the groups gnomAD compares: African/African-American, 0.0027%; no homozygotes.

Submission:

Athena Diagnostics
Classification: Uncertain significance. Last evaluated: 2024-08-01. Review status: criteria provided, single submitter. Criteria: Athena Diagnostics Criteria. Collection method: clinical testing. Allele origin: unknown.
Comment: Available data are insufficient to determine the clinical significance of the variant at this time. The frequency of this variant in the general population is uninformative in assessment of its pathogenicity. Polyphen and MutationTaster yielded discordant predictions regarding whether this amino acid change is damaging to the protein.

NM_182914.3(SYNE2):c.4996C>T (p.Leu1666Phe)

Gene: SYNE2 (spectrin repeat containing nuclear envelope protein 2; plus strand). Cytogenetic location: 14q23.2.
Variant type: single nucleotide variant.
Coding change: c.4996C>T on transcript NM_182914.3 (MANE Select); coding-DNA position 4996, C replaced by T.
Protein change: p.Leu1666Phe; replaces leucine 1666 with phenylalanine.
Molecular consequence: missense variant.
Genome position (GRCh38, 1-based): chr14:64,017,703, C>T. VCF-style: chr14-64017703-C-T. GRCh37 (hg19) VCF-style: chr14-64484421-C-T.
Other names: c.4996C>T, p.Leu1666Phe (NM_015180.6); short protein forms L1666F.
Identifiers: ClinVar variation 3571843 (VCV003571843.1).